The following is an entry in ClinVar:

NM_001025603.2(RFX5):c.352C>T (p.Arg118Trp)

Gene: RFX5 (regulatory factor X5; minus strand). Cytogenetic location: 1q21.3.
Variant type: single nucleotide variant.
Coding change: c.352C>T on transcript NM_001025603.2 (MANE Select); coding-DNA position 352, C replaced by T.
Protein change: p.Arg118Trp; replaces arginine 118 with tryptophan.
Molecular consequence: missense variant. On other transcripts: intron variant (2).
Genome position (GRCh38, 1-based): chr1:151,344,729, G>A on the plus strand (C>T on the coding strand, the complement: RFX5 is on the minus strand). VCF-style: chr1-151344729-G-A. GRCh37 (hg19) VCF-style: chr1-151317205-G-A.
Other names: c.352C>T, p.Arg118Trp (NM_000449.4, NM_001379412.1, NM_001379413.1 and 5 more transcripts); c.234-193C>T (NM_001379419.1, NM_001379420.1); short protein forms R118W.
Identifiers: ClinVar variation 2052593 (VCV002052593.2), dbSNP rs747555214, ClinGen allele CA1089867.
Genomic context (GRCh38, chr1:151,344,729, plus strand): 5'-GGGTGAGGGGGTCCTATGCCCACCAATCCACTCATCCCACCACCCACCCCTCCACCCACC[G>A]ATAGGCATCATAAACACTTTGCTTTGGCAGACAGGTGTCAGTGTGCTCTTCCAGGTGGTT-3'
Protein context (NP_001020774.1, residues 108-128): LPKQSVYDAY[Arg118Trp]KYCESLACCR

ClinVar aggregate classification (germline): Uncertain significance (1 of 4 stars; one submission).

Conditions:
MHC class II deficiency. Also called: Bare lymphocyte syndrome 2; BLS, TYPE II. Identifiers: Orphanet 572, MedGen C5447452, MONDO:0008855.

Allele frequency attached by ClinVar (database versions not stated): gnomAD 0.00003; TOPMed 0.00003; gnomAD exomes 0.00010; ExAC 0.00012.

Submission:

Labcorp Genetics (formerly Invitae), Labcorp
Classification: Uncertain significance for MHC class II deficiency. Last evaluated: 2024-12-30. Review status: criteria provided, single submitter. Criteria: Invitae Variant Classification Sherloc (09022015). Collection method: clinical testing. Allele origin: germline.
Comment: This sequence change replaces arginine, which is basic and polar, with tryptophan, which is neutral and slightly polar, at codon 118 of the RFX5 protein (p.Arg118Trp). This variant is present in population databases (rs747555214, gnomAD 0.01%). This variant has not been reported in the literature in individuals affected with RFX5-related conditions. ClinVar contains an entry for this variant (Variation ID: 2052593). An algorithm developed to predict the effect of missense changes on protein structure and function (PolyPhen-2) suggests that this variant is likely to be disruptive. Algorithms developed to predict the effect of sequence changes on RNA splicing suggest that this variant may disrupt the consensus splice site. In summary, the available evidence is currently insufficient to determine the role of this variant in disease. Therefore, it has been classified as a Variant of Uncertain Significance.